The following is an entry in ClinVar:

NM_000016.6(ACADM):c.542A>G (p.Asp181Gly)

Gene: ACADM (acyl-CoA dehydrogenase medium chain; plus strand). Cytogenetic location: 1p31.1.
Variant type: single nucleotide variant.
Coding change: c.542A>G on transcript NM_000016.6 (MANE Select); coding-DNA position 542, A replaced by G.
Protein change: p.Asp181Gly; replaces aspartic acid 181 with glycine.
Molecular consequence: missense variant. On other transcripts: 5 prime UTR variant (1).
Genome position (GRCh38, 1-based): chr1:75,740,053, A>G. VCF-style: chr1-75740053-A-G. GRCh37 (hg19) VCF-style: chr1-76205738-A-G.
Other names: c.554A>G, p.Asp185Gly (NM_001127328.3); c.434A>G, p.Asp145Gly (NM_001286042.2); c.641A>G, p.Asp214Gly (NM_001286043.2); c.-26A>G (NM_001286044.2); c.542A>G (NM_000016.5); short protein forms D181G, D145G, D185G, D214G.
Identifiers: ClinVar variation 557798 (VCV000557798.11), dbSNP rs1553123872, ClinGen allele CA340815215.

ClinVar aggregate classification (germline): Conflicting classifications of pathogenicity. Review status: criteria provided, conflicting classifications (1 of 4 stars). 6 submissions from 6 submitters: Pathogenic (2); Likely pathogenic (2); Uncertain significance (1). 1 of the submissions does not count toward it. Last evaluated 2025-05-27.

Conditions:
Medium-chain acyl-coenzyme A dehydrogenase deficiency (ACADMD). Also called: Medium chain acyl-CoA dehydrogenase deficiency; CARNITINE DEFICIENCY SECONDARY TO MEDIUM-CHAIN ACYL-CoA DEHYDROGENASE DEFICIENCY; MCADD; MCAD Deficiency; MCADH DEFICIENCY; ACADM DEFICIENCY. Identifiers: Orphanet 42, MedGen C0220710, MONDO:0008721, OMIM 201450.

Allele frequency attached by ClinVar (database versions not stated): gnomAD exomes below 0.00001.
gnomAD v4.1: 1 of 1,612,712 alleles (0.000062%); highest among the groups gnomAD compares: Non-Finnish European, 0.000085%; no homozygotes.

Submissions (6):

Natera, Inc.
Classification: Likely pathogenic for Medium Chain Acyl-CoA Dehydrogenase Deficiency. Last evaluated: 2025-05-27. Review status: criteria provided, single submitter. Criteria: Natera Variant Classification Schema (03/2026). Collection method: clinical testing. Allele origin: germline.
Comment: The c.542A>G variant in ACADM is a missense variant predicted to cause substitution of aspartic acid to glycine at amino acid 181. This variant is rare in the general population with a frequency below the threshold expected for the associated phenotype(s). This variant has been observed in one or more individuals affected with the associated recessive disease, as either homozygous or compound heterozygous with a second variant (PMID: 36840705, 23842438). This variant has been identified in one or more affected individual with a phenotype highly consistent with the associated gene (PMID: 36840705). Given the available evidence, this variant is classified as Likely Pathogenic.

Women's Health and Genetics/Laboratory Corporation of America, LabCorp
Classification: Likely pathogenic for Medium-chain acyl-coenzyme A dehydrogenase deficiency. Last evaluated: 2025-04-24. Review status: criteria provided, single submitter. Criteria: LabCorp Variant Classification Summary - May 2015. Collection method: clinical testing. Allele origin: germline.
Comment: Variant summary: ACADM c.542A>G (p.Asp181Gly) results in a non-conservative amino acid change in the encoded protein sequence. Four of five in-silico tools predict a damaging effect of the variant on protein function. The variant was absent in 251410 control chromosomes. c.542A>G has been observed in the presumed compound heterozygous state in multiple individual(s) affected with Medium Chain Acyl-CoA Dehydrogenase Deficiency (example, Weiss_2023, Couce_2011, Labcorp Genetics (formerly Invitae)). These data indicate that the variant may be associated with disease. To our knowledge, no experimental evidence demonstrating an impact on protein function has been reported. The following publications have been ascertained in the context of this evaluation (PMID: 36840705, 23842438, 23430840, 32778825).ClinVar contains an entry for this variant (Variation ID: 557798). Based on the evidence outlined above, the variant was classified as likely pathogenic.

Baylor Genetics
Classification: Pathogenic for Medium-chain acyl-coenzyme A dehydrogenase deficiency. Last evaluated: 2024-03-12. Review status: criteria provided, single submitter. Criteria: ACMG Guidelines, 2015. Collection method: clinical testing. Allele origin: unknown.

Labcorp Genetics (formerly Invitae), Labcorp
Classification: Pathogenic for Medium-chain acyl-coenzyme A dehydrogenase deficiency. Last evaluated: 2023-10-27. Review status: criteria provided, single submitter. Criteria: Invitae Variant Classification Sherloc (09022015). Collection method: clinical testing. Allele origin: germline.
Comment: This sequence change replaces aspartic acid, which is acidic and polar, with glycine, which is neutral and non-polar, at codon 181 of the ACADM protein (p.Asp181Gly). This variant is not present in population databases (gnomAD no frequency). This missense change has been observed in individual(s) with medium-chain acyl-coenzyme A dehydrogenase deficiency (PMID: 23430840; Invitae). In at least one individual the data is consistent with being in trans (on the opposite chromosome) from a pathogenic variant. ClinVar contains an entry for this variant (Variation ID: 557798). Advanced modeling of protein sequence and biophysical properties (such as structural, functional, and spatial information, amino acid conservation, physicochemical variation, residue mobility, and thermodynamic stability) performed at Invitae indicates that this missense variant is not expected to disrupt ACADM protein function with a negative predictive value of 80%. Algorithms developed to predict the effect of sequence changes on RNA splicing suggest that this variant may disrupt the consensus splice site. For these reasons, this variant has been classified as Pathogenic.

Fulgent Genetics
Classification: Uncertain significance for Medium-chain acyl-coenzyme A dehydrogenase deficiency. Last evaluated: 2022-01-12. Review status: criteria provided, single submitter. Criteria: ACMG Guidelines, 2015. Collection method: clinical testing. Allele origin: unknown.

Counsyl
Classification: Uncertain significance for Medium-chain acyl-coenzyme A dehydrogenase deficiency. Last evaluated: 2018-04-06. Review status: no assertion criteria provided. Collection method: clinical testing. Allele origin: unknown. Not counted in ClinVar's aggregate classification.

Literature cited by the submitters: PubMed 36840705 (cited by Natera, Inc. and Women's Health and Genetics/Laboratory Corporation of America, LabCorp); PubMed 23842438 (cited by 3 submitters); PubMed 32778825 (cited by Women's Health and Genetics/Laboratory Corporation of America, LabCorp); PubMed 23430840 (cited by 3 submitters).